The following is an entry in ClinVar:

NM_001079802.2(FKTN):c.395del (p.Asn132fs)

Gene: FKTN (fukutin; plus strand). Cytogenetic location: 9q31.2.
Variant type: Deletion.
Coding change: c.395del on transcript NM_001079802.2 (MANE Select); coding-DNA position 395, one base deleted (A; older notation c.395delA).
Protein change: p.Asn132fs; shifts the reading frame from asparagine 132.
Molecular consequence: frameshift variant. On other transcripts: 5 prime UTR variant (4), non-coding transcript variant (2).
Genome position (GRCh38, 1-based): chr9:105,604,240, A deleted; the last of 2 consecutive A bases (chr9:105,604,239-105,604,240); deleting either gives the same sequence. VCF-style (leftmost placement, unchanged base first): chr9-105604238-GA-G. GRCh37 (hg19) VCF-style: chr9-108366519-GA-G.
Other names: c.395del, p.Asn132fs (NM_001198963.2, NM_001351496.2, NM_001351498.2 and 1 more transcripts); c.326del, p.Asn109fs (NM_001351497.2); c.-2del (NM_001351499.2, NM_001351500.2, NM_001351501.2 and 1 more transcripts); short protein forms N109fs, N132fs.
Identifiers: ClinVar variation 1456977 (VCV001456977.6), dbSNP rs2132791309, ClinGen allele CA2573143661.

ClinVar aggregate classification (germline): Pathogenic (1 of 4 stars; one submission).

Conditions:
Walker-Warburg congenital muscular dystrophy. Also called: Muscular dystrophy-dystroglycanopathy, type A; Walker-Warburg syndrome. Identifiers: Orphanet 899, MedGen C0265221, MONDO:0000171.

Submission:

Labcorp Genetics (formerly Invitae), Labcorp
Classification: Pathogenic for Walker-Warburg congenital muscular dystrophy. Last evaluated: 2025-07-14. Review status: criteria provided, single submitter. Criteria: Invitae Variant Classification Sherloc (09022015). Collection method: clinical testing. Allele origin: germline.
Comment: This sequence change creates a premature translational stop signal (p.Asn132Ilefs*7) in the FKTN gene. It is expected to result in an absent or disrupted protein product. Loss-of-function variants in FKTN are known to be pathogenic (PMID: 17044012, 17878207, 18752264). This variant is not present in population databases (gnomAD no frequency). This variant has not been reported in the literature in individuals affected with FKTN-related conditions. ClinVar contains an entry for this variant (Variation ID: 1456977). For these reasons, this variant has been classified as Pathogenic.

Literature cited by the submitters: PubMed 17044012; PubMed 17878207; PubMed 18752264.